The following is an entry in ClinVar:

ClinVar aggregate classification (germline): Benign/Likely benign. Review status: criteria provided, multiple submitters, no conflicts (2 of 4 stars). 3 submissions from 3 submitters: Benign (1); Likely benign (1). 1 of the submissions does not count toward it. Last evaluated 2026-01-27.

Conditions:
ADCY5-related disorder. Also called: ADCY5-related condition.

Allele frequency attached by ClinVar (database versions not stated): gnomAD exomes 0.00029 and 0.00083; ExAC 0.00109; 1000 Genomes Project 30x 0.00203; 1000 Genomes Project 0.00220; ESP Exome Variant Server 0.00331; gnomAD 0.00360 and 0.00391; TOPMed 0.00378.

Submissions (3):

Labcorp Genetics (formerly Invitae), Labcorp
Classification: Benign. Last evaluated: 2026-01-27. Review status: criteria provided, single submitter. Criteria: Invitae Variant Classification Sherloc (09022015). Collection method: clinical testing. Allele origin: germline.

Blueprint Genetics
Classification: Likely benign. Last evaluated: 2024-11-11. Review status: criteria provided, single submitter. Criteria: ACMG Guidelines, 2015. Collection method: clinical testing. Allele origin: germline.

PreventionGenetics, part of Exact Sciences
Classification: Benign for ADCY5-related condition. Last evaluated: 2019-06-06. Review status: no assertion criteria provided. Collection method: clinical testing. Allele origin: germline. Not counted in ClinVar's aggregate classification.
Comment: This variant is classified as benign based on ACMG/AMP sequence variant interpretation guidelines (Richards et al. 2015 PMID: 25741868, with internal and published modifications).

NM_183357.3(ADCY5):c.1519-9G>T

Gene: ADCY5 (adenylate cyclase 5; minus strand). Cytogenetic location: 3q21.1.
Variant type: single nucleotide variant.
Coding change: c.1519-9G>T on transcript NM_183357.3 (MANE Select); 9 bases into the intron before coding-DNA position 1519, G replaced by T.
Molecular consequence: intron variant.
Genome position (GRCh38, 1-based): chr3:123,331,025, C>A on the plus strand (G>T on the coding strand, the complement: ADCY5 is on the minus strand). VCF-style: chr3-123331025-C-A. GRCh37 (hg19) VCF-style: chr3-123049872-C-A.
Other names: c.1519-9G>T (NM_001378259.1); c.469-9G>T (NM_001199642.1).
Identifiers: ClinVar variation 702095 (VCV000702095.13), dbSNP rs144559337, ClinGen allele CA2577438.